The following is an entry in ClinVar:

ClinVar aggregate classification (germline): Uncertain significance. Review status: criteria provided, multiple submitters, no conflicts (2 of 4 stars). 2 submissions from 2 submitters: Uncertain significance (2). Last evaluated 2024-05-10.

Conditions:
Imerslund-Grasbeck syndrome type 1 (IGS1). Also called: Megaloblastic anemia 1, Finnish type; Imerslund-Gräsbeck syndrome 1; MEGALOBLASTIC ANEMIA, 1. Identifiers: MedGen C4016819, MONDO:0100156, OMIM 261100.
Proteinuria, chronic benign. Identifiers: MedGen C5394384, MONDO:0030042, OMIM 618884.
Imerslund-Grasbeck syndrome. Also called: ENTEROCYTE COBALAMIN MALABSORPTION; ENTEROCYTE INTRINSIC FACTOR RECEPTOR, DEFECT OF; PERNICIOUS ANEMIA, JUVENILE, DUE TO SELECTIVE INTESTINAL MALABSORPTION OF VITAMIN B12, WITH PROTEINURIA; Megaloblastic anemia due to inborn errors of metabolism; Imerslund-Gräsbeck syndrome. Identifiers: Orphanet 35858, MedGen C4551825, MONDO:0009853.

Allele frequency attached by ClinVar (database versions not stated): gnomAD exomes below 0.00001; ExAC 0.00003.
gnomAD v4.1: 3 of 1,613,802 alleles (0.00019%); highest among the groups gnomAD compares: African/African-American, 0.0027%; no homozygotes.

Submissions (2):

Fulgent Genetics
Classification: Uncertain significance for Imerslund-Grasbeck syndrome type 1; Proteinuria, chronic benign. Last evaluated: 2024-05-10. Review status: criteria provided, single submitter. Criteria: ACMG Guidelines, 2015. Collection method: clinical testing. Allele origin: germline.

Labcorp Genetics (formerly Invitae), Labcorp
Classification: Uncertain significance for Imerslund-Grasbeck syndrome. Last evaluated: 2022-11-04. Review status: criteria provided, single submitter. Criteria: Invitae Variant Classification Sherloc (09022015). Collection method: clinical testing. Allele origin: germline.
Comment: In summary, the available evidence is currently insufficient to determine the role of this variant in disease. Therefore, it has been classified as a Variant of Uncertain Significance. Advanced modeling of protein sequence and biophysical properties (such as structural, functional, and spatial information, amino acid conservation, physicochemical variation, residue mobility, and thermodynamic stability) has been performed at Invitae for this missense variant, however the output from this modeling did not meet the statistical confidence thresholds required to predict the impact of this variant on CUBN protein function. This variant has not been reported in the literature in individuals affected with CUBN-related conditions. This variant is present in population databases (rs763764895, gnomAD 0.01%). This sequence change replaces proline, which is neutral and non-polar, with serine, which is neutral and polar, at codon 2291 of the CUBN protein (p.Pro2291Ser).

NM_001081.4(CUBN):c.6871C>T (p.Pro2291Ser)

Gene: CUBN (cubilin; minus strand). Cytogenetic location: 10p13.
Variant type: single nucleotide variant.
Coding change: c.6871C>T on transcript NM_001081.4 (MANE Select); coding-DNA position 6871, C replaced by T.
Protein change: p.Pro2291Ser; replaces proline 2291 with serine.
Molecular consequence: missense variant.
Genome position (GRCh38, 1-based): chr10:16,918,751, G>A on the plus strand (C>T on the coding strand, the complement: CUBN is on the minus strand). VCF-style: chr10-16918751-G-A. GRCh37 (hg19) VCF-style: chr10-16960750-G-A.
Other names: short protein forms P2291S.
Identifiers: ClinVar variation 2726206 (VCV002726206.4), dbSNP rs763764895, ClinGen allele CA5423529.
Genomic context (GRCh38, chr10:16,918,751, plus strand): 5'-CCTCTCCTGAGGACCACTGACTGCTGGGCAAAGATGTCCCACAAAATTTGGAAAGTATTG[G>A]TGCATCCGAATCCACTCCATCCCGCAACTCAAGGTAGTTGGAAGTACAGCTGAAGTGGGA-3'
Protein context (NP_001072.2, residues 2281-2301): ELRDGVDSDA[Pro2291Ser]ILSKFCGTSL